The following is an entry in ClinVar:

ClinVar aggregate classification (germline): Uncertain significance (1 of 4 stars; one submission).

Conditions:
Long QT syndrome (LQTS). Identifiers: MedGen C0023976, MeSH D008133, MONDO:0002442. Disease mechanism: loss of function. Inheritance: Various modes of inheritance.

Allele frequency attached by ClinVar (database versions not stated): gnomAD exomes below 0.00001; ExAC 0.00001.
gnomAD v4.1: 1 of 1,607,276 alleles (0.000062%); highest among the groups gnomAD compares: Non-Finnish European, 0.000085%; no homozygotes.

Submission:

Labcorp Genetics (formerly Invitae), Labcorp
Classification: Uncertain significance for Long QT syndrome. Last evaluated: 2025-04-07. Review status: criteria provided, single submitter. Criteria: Invitae Variant Classification Sherloc (09022015). Collection method: clinical testing. Allele origin: germline.
Comment: This sequence change replaces glycine, which is neutral and non-polar, with arginine, which is basic and polar, at codon 486 of the CACNA1C protein (p.Gly486Arg). The frequency data for this variant in the population databases is considered unreliable, as metrics indicate poor data quality at this position in the gnomAD database. This variant has not been reported in the literature in individuals affected with CACNA1C-related conditions. ClinVar contains an entry for this variant (Variation ID: 2908195). Invitae Evidence Modeling of protein sequence and biophysical properties (such as structural, functional, and spatial information, amino acid conservation, physicochemical variation, residue mobility, and thermodynamic stability) indicates that this missense variant is not expected to disrupt CACNA1C protein function with a negative predictive value of 80%. In summary, the available evidence is currently insufficient to determine the role of this variant in disease. Therefore, it has been classified as a Variant of Uncertain Significance.

NM_000719.7(CACNA1C):c.1456G>A (p.Gly486Arg)

Gene: CACNA1C (calcium voltage-gated channel subunit alpha1 C; plus strand). Cytogenetic location: 12p13.33.
Variant type: single nucleotide variant.
Coding change: c.1456G>A on transcript NM_000719.7 (MANE Select); coding-DNA position 1456, G replaced by A.
Protein change: p.Gly486Arg; replaces glycine 486 with arginine.
Molecular consequence: missense variant.
Genome position (GRCh38, 1-based): chr12:2,550,008, G>A. VCF-style: chr12-2550008-G-A. GRCh37 (hg19) VCF-style: chr12-2659174-G-A.
Other names: c.1456G>A, p.Gly486Arg (NM_001129827.2, NM_001129829.2, NM_001129830.3 and 18 more transcripts); c.1447G>A, p.Gly483Arg (NM_001129844.2); short protein forms G483R, G486R.
Identifiers: ClinVar variation 2908195 (VCV002908195.3), dbSNP rs751825175, ClinGen allele CA6388737.
Genomic context (GRCh38, chr12:2,550,008, plus strand): 5'-ATGCCCACCAGTGAGACCGAGTCCGTCAACACCGAAAACGTGGCTGGAGGTGACATCGAG[G>A]GAGAAAACTGCGGGGCCAGGCTGGCGTGAGTAGGCACGGCGAGCCCAGGGGCTGGGGCTT-3'
Protein context (NP_000710.5, residues 476-496): TENVAGGDIE[Gly486Arg]ENCGARLAHR